The following is an entry in ClinVar:

ClinVar aggregate classification (germline): Uncertain significance (1 of 4 stars; one submission).

Conditions:
Hereditary cancer-predisposing syndrome. Also called: Neoplastic Syndromes, Hereditary; Tumor predisposition; Hereditary Cancer Syndrome; Hereditary neoplastic syndrome. Identifiers: Orphanet 140162, MedGen C0027672, MeSH D009386, MONDO:0015356.

Allele frequency attached by ClinVar (database versions not stated): gnomAD 0.00001.
gnomAD v4.1: 1 of 1,613,634 alleles (0.000062%); highest among the groups gnomAD compares: Non-Finnish European, 0.000085%; no homozygotes.

Submission:

Ambry Genetics
Classification: Uncertain significance for Hereditary cancer-predisposing syndrome. Last evaluated: 2022-10-12. Review status: criteria provided, single submitter. Criteria: Ambry Variant Classification Scheme 2023. Collection method: clinical testing. Allele origin: germline.
Comment: The p.A336V variant (also known as c.1007C>T), located in coding exon 11 of the CDC73 gene, results from a C to T substitution at nucleotide position 1007. The alanine at codon 336 is replaced by valine, an amino acid with similar properties. This amino acid position is conserved. In addition, the in silico prediction for this alteration is inconclusive. Since supporting evidence is limited at this time, the clinical significance of this alteration remains unclear.

NM_024529.5(CDC73):c.1007C>T (p.Ala336Val)

Gene: CDC73 (cell division cycle 73; plus strand). Cytogenetic location: 1q31.2.
Variant type: single nucleotide variant.
Coding change: c.1007C>T on transcript NM_024529.5 (MANE Select); coding-DNA position 1007, C replaced by T.
Protein change: p.Ala336Val; replaces alanine 336 with valine.
Molecular consequence: missense variant.
Genome position (GRCh38, 1-based): chr1:193,203,829, C>T. VCF-style: chr1-193203829-C-T. GRCh37 (hg19) VCF-style: chr1-193172959-C-T.
Other names: short protein forms A336V.
Identifiers: ClinVar variation 1787415 (VCV001787415.2), dbSNP rs1677132521, ClinGen allele CA344076149.
Genomic context (GRCh38, chr1:193,203,829, plus strand): 5'-ATATATCAATTCTTATTCTTTTAAAGGAGGGTGCATCTGCCCGGAAGACTCAGACTCCTG[C>T]AGCCCAGCCAGTACCAAGACCAGGTAGAAATATAGAACTTTGCTTTTTGTTTTCTTTCAA-3'
Protein context (NP_078805.3, residues 326-346): GASARKTQTP[Ala336Val]AQPVPRPVSQ